The following is an entry in ClinVar:

ClinVar aggregate classification (germline): Uncertain significance (1 of 4 stars; one submission).

Conditions:
Myopathy, tubular aggregate, 2 (TAM2). Identifiers: MedGen C4014557, MONDO:0014383, OMIM 615883.
Combined immunodeficiency due to ORAI1 deficiency. Also called: IMMUNODEFICIENCY 9. Identifiers: Orphanet 169090, Orphanet 317428, MedGen C2748568, MONDO:0013007, OMIM 612782.

Submission:

Labcorp Genetics (formerly Invitae), Labcorp
Classification: Uncertain significance for Myopathy, tubular aggregate, 2; Combined immunodeficiency due to ORAI1 deficiency. Last evaluated: 2023-06-20. Review status: criteria provided, single submitter. Criteria: Invitae Variant Classification Sherloc (09022015). Collection method: clinical testing. Allele origin: germline.
Comment: In summary, the available evidence is currently insufficient to determine the role of this variant in disease. Therefore, it has been classified as a Variant of Uncertain Significance. Experimental studies and prediction algorithms are not available or were not evaluated, and the functional significance of this variant is currently unknown. This variant has not been reported in the literature in individuals affected with ORAI1-related conditions. This variant is not present in population databases (gnomAD no frequency). This sequence change replaces leucine, which is neutral and non-polar, with isoleucine, which is neutral and non-polar, at codon 16 of the ORAI1 protein (p.Leu16Ile).

NM_032790.4(ORAI1):c.46C>A (p.Leu16Ile)

Genes: ORAI1 (ORAI calcium release-activated calcium modulator 1; plus strand), LOC130008987 (ATAC-STARR-seq lymphoblastoid silent region 4981; plus strand). Cytogenetic location: 12q24.31.
Variant type: single nucleotide variant.
Coding change: c.46C>A on transcript NM_032790.4 (MANE Select); coding-DNA position 46, C replaced by A.
Protein change: p.Leu16Ile; replaces leucine 16 with isoleucine.
Molecular consequence: missense variant. On other transcripts: non-coding transcript variant (1).
Genome position (GRCh38, 1-based): chr12:121,626,788, C>A. VCF-style: chr12-121626788-C-A. GRCh37 (hg19) VCF-style: chr12-122064693-C-A.
Other names: short protein forms L16I.
Identifiers: ClinVar variation 2936163 (VCV002936163.3), dbSNP rs2503521503, ClinGen allele CA386980340.
Genomic context (GRCh38, chr12:121,626,788, plus strand): 5'-TCGGCGGCGTGCTCCATGCATCCGGAGCCCGCCCCGCCCCCGAGCCGCAGCAGTCCCGAG[C>A]TTCCCCCAAGCGGCGGCAGCACCACCAGCGGCAGCCGCCGGAGCCGCCGCCGCAGCGGGG-3'
Protein context (NP_116179.2, residues 6-26): APPPSRSSPE[Leu16Ile]PPSGGSTTSG